The following is an entry in ClinVar:

NM_000089.4(COL1A2):c.670C>A (p.Arg224Ser)

Gene: COL1A2 (collagen type I alpha 2 chain; plus strand). Cytogenetic location: 7q21.3.
Variant type: single nucleotide variant.
Coding change: c.670C>A on transcript NM_000089.4 (MANE Select); coding-DNA position 670, C replaced by A.
Protein change: p.Arg224Ser; replaces arginine 224 with serine.
Molecular consequence: missense variant.
Genome position (GRCh38, 1-based): chr7:94,408,213, C>A. VCF-style: chr7-94408213-C-A. GRCh37 (hg19) VCF-style: chr7-94037525-C-A.
Other names: short protein forms R224S.
Identifiers: ClinVar variation 1507522 (VCV001507522.6), dbSNP rs763047559, ClinGen allele CA4346765.

ClinVar aggregate classification (germline): Uncertain significance (1 of 4 stars; one submission).

Conditions:
Ehlers-Danlos syndrome, classic type, 1 (EDSCL1). Also called: EHLERS-DANLOS SYNDROME, GRAVIS TYPE; EHLERS-DANLOS SYNDROME, SEVERE CLASSIC TYPE; Ehlers-Danlos syndrome, type 1; Ehlers-Danlos Syndrome, Classic Type, COL5A1-Related; EDS I. Identifiers: MedGen C0268335, MONDO:0019567, OMIM 130000.
Osteogenesis imperfecta type I (OI1). Also called: OI, TYPE I; OSTEOGENESIS IMPERFECTA TARDA; OSTEOGENESIS IMPERFECTA WITH BLUE SCLERAE; Osteogenesis imperfecta type 1; Lobstein's Disease; Lobstein disease. Identifiers: Orphanet 216796, Orphanet 666, MedGen C0023931, MONDO:0008146, OMIM 166200. Disease mechanism: loss of function.

Allele frequency attached by ClinVar (database versions not stated): gnomAD 0.00001; ExAC 0.00002; gnomAD exomes 0.00002.
gnomAD v4.1: 16 of 1,613,722 alleles (0.00099%); highest among the groups gnomAD compares: South Asian, 0.018%; no homozygotes.

Submission:

Labcorp Genetics (formerly Invitae), Labcorp
Classification: Uncertain significance for Osteogenesis imperfecta type I; Ehlers-Danlos syndrome, classic type, 1. Last evaluated: 2023-08-04. Review status: criteria provided, single submitter. Criteria: Invitae Variant Classification Sherloc (09022015). Collection method: clinical testing. Allele origin: germline.
Comment: In summary, the available evidence is currently insufficient to determine the role of this variant in disease. Therefore, it has been classified as a Variant of Uncertain Significance. Advanced modeling of protein sequence and biophysical properties (such as structural, functional, and spatial information, amino acid conservation, physicochemical variation, residue mobility, and thermodynamic stability) has been performed at Invitae for this missense variant, however the output from this modeling did not meet the statistical confidence thresholds required to predict the impact of this variant on COL1A2 protein function. ClinVar contains an entry for this variant (Variation ID: 1507522). This variant has not been reported in the literature in individuals affected with COL1A2-related conditions. This variant is present in population databases (rs763047559, gnomAD 0.02%). This sequence change replaces arginine, which is basic and polar, with serine, which is neutral and polar, at codon 224 of the COL1A2 protein (p.Arg224Ser).